The following is an entry in ClinVar:

ClinVar aggregate classification (germline): Uncertain significance (1 of 4 stars; one submission).

Submission:

CeGaT Center for Human Genetics Tuebingen
Classification: Uncertain significance. Last evaluated: 2022-06-01. Review status: criteria provided, single submitter. Criteria: CeGaT Center For Human Genetics Tuebingen Variant Classification Criteria Version 2. Collection method: clinical testing. Allele origin: germline. Affected: yes. Observed: 1 variant allele.
Comment: TTN: PM2

NM_001267550.2(TTN):c.15782C>T (p.Ala5261Val)

Gene: TTN (titin; minus strand). Cytogenetic location: 2q31.2.
Variant type: single nucleotide variant.
Coding change: c.15782C>T on transcript NM_001267550.2 (MANE Select); coding-DNA position 15782, C replaced by T.
Protein change: p.Ala5261Val; replaces alanine 5261 with valine.
Molecular consequence: missense variant. On other transcripts: intron variant (3).
Genome position (GRCh38, 1-based): chr2:178,733,511, G>A on the plus strand (C>T on the coding strand, the complement: TTN is on the minus strand). VCF-style: chr2-178733511-G-A. GRCh37 (hg19) VCF-style: chr2-179598238-G-A.
Other names: c.14831C>T, p.Ala4944Val (NM_001256850.1); c.12050C>T, p.Ala4017Val (NM_133378.4); c.13282+4571C>T (NM_003319.4); c.13858+4571C>T (NM_133437.4); c.13657+4571C>T (NM_133432.3); short protein forms A4017V, A4944V, A5261V.
Identifiers: ClinVar variation 2651695 (VCV002651695.24), dbSNP rs2530206457, ClinGen allele CA349590395.